The following is an entry in ClinVar:

ClinVar aggregate classification (germline): Likely benign (0 of 4 stars; one submission).

Conditions:
NCOA1-related disorder. Also called: NCOA1-related condition.

gnomAD v4.1: 1 of 1,614,216 alleles (0.000062%); highest among the groups gnomAD compares: Non-Finnish European, 0.000085%; no homozygotes.

Submission:

PreventionGenetics, part of Exact Sciences
Classification: Likely benign for NCOA1-related condition. Last evaluated: 2023-01-24. Review status: no assertion criteria provided. Collection method: clinical testing. Allele origin: germline.
Comment: This variant is classified as likely benign based on ACMG/AMP sequence variant interpretation guidelines (Richards et al. 2015 PMID: 25741868, with internal and published modifications).

NM_003743.5(NCOA1):c.1485T>G (p.Ser495=)

Gene: NCOA1 (nuclear receptor coactivator 1; plus strand). Cytogenetic location: 2p23.3.
Variant type: single nucleotide variant.
Coding change: c.1485T>G on transcript NM_003743.5 (MANE Select); coding-DNA position 1485, T replaced by G.
Protein change: p.Ser495=; no amino-acid change (serine 495 retained).
Molecular consequence: synonymous variant.
Genome position (GRCh38, 1-based): chr2:24,706,955, T>G. VCF-style: chr2-24706955-T-G. GRCh37 (hg19) VCF-style: chr2-24929824-T-G.
Other names: c.1485T>G, p.Ser495= (NM_001362950.1, NM_001362952.1, NM_001362954.1 and 3 more transcripts).
Identifiers: ClinVar variation 3356640 (VCV003356640.1).
Genomic context (GRCh38, chr2:24,706,955, plus strand): 5'-TATGGAAGGTACAGGAATATCCCTAGCACAGTTCATGTCTCCAAGGAGACAGGTTACTTC[T>G]GGATTGGCAACAAGGCCCAGGATGCCAAACAATTCCTTTCCTCCTAATATTTCGACATTA-3'
Protein context (NP_003734.3, residues 485-505): QFMSPRRQVT[Ser495=]GLATRPRMPN